The following is an entry in ClinVar:

ClinVar aggregate classification (germline): Uncertain significance (1 of 4 stars; one submission).

Conditions:
Brugada syndrome. Also called: Sudden unexpected nocturnal death syndrome; Sudden Unexplained Death Syndrome; Sudden Unexplained Nocturnal Death Syndrome (SUNDS); Sudden unexplained nocturnal death syndrome. Identifiers: Orphanet 130, MedGen C1142166, MONDO:0015263.

Allele frequency attached by ClinVar (database versions not stated): gnomAD exomes below 0.00001.
gnomAD v4.1: 1 of 1,612,810 alleles (0.000062%); highest among the groups gnomAD compares: Non-Finnish European, 0.000085%; no homozygotes.

Submission:

Labcorp Genetics (formerly Invitae), Labcorp
Classification: Uncertain significance for Brugada syndrome. Last evaluated: 2024-01-05. Review status: criteria provided, single submitter. Criteria: Invitae Variant Classification Sherloc (09022015). Collection method: clinical testing. Allele origin: germline.
Comment: This sequence change replaces glutamic acid, which is acidic and polar, with glutamine, which is neutral and polar, at codon 893 of the CACNA2D1 protein (p.Glu893Gln). This variant is not present in population databases (gnomAD no frequency). This variant has not been reported in the literature in individuals affected with CACNA2D1-related conditions. An algorithm developed to predict the effect of missense changes on protein structure and function (PolyPhen-2) suggests that this variant is likely to be tolerated. In summary, the available evidence is currently insufficient to determine the role of this variant in disease. Therefore, it has been classified as a Variant of Uncertain Significance.

NM_000722.4(CACNA2D1):c.2677G>C (p.Glu893Gln)

Gene: CACNA2D1 (calcium voltage-gated channel auxiliary subunit alpha2delta 1; minus strand). Cytogenetic location: 7q21.11.
Variant type: single nucleotide variant.
Coding change: c.2677G>C on transcript NM_000722.4 (MANE Select); coding-DNA position 2677, G replaced by C.
Protein change: p.Glu893Gln; replaces glutamic acid 893 with glutamine.
Molecular consequence: missense variant.
Genome position (GRCh38, 1-based): chr7:81,964,257, C>G on the plus strand (G>C on the coding strand, the complement: CACNA2D1 is on the minus strand). VCF-style: chr7-81964257-C-G. GRCh37 (hg19) VCF-style: chr7-81593573-C-G.
Other names: c.2713G>C, p.Glu905Gln (NM_001366867.1); short protein forms E893Q, E905Q.
Identifiers: ClinVar variation 2707783 (VCV002707783.3), dbSNP rs1554330635, ClinGen allele CA367885038.
Genomic context (GRCh38, chr7:81,964,257, plus strand): 5'-TATTACTGACCACATATGCTGAGCGATGTCCTGCTCCTTGTTTTGGTGCAGCACCGGGCT[C>G]ACATACTGACTGATAATCATAAGATTTGTTAAAAGCATAAACTGATATATTAACCAGGTG-3'
Protein context (NP_000713.2, residues 883-903): NKSYDYQSVC[Glu893Gln]PGAAPKQGAG